The following is an entry in ClinVar:

ClinVar aggregate classification (germline): Uncertain significance (1 of 4 stars; one submission).

Allele frequency attached by ClinVar (database versions not stated): gnomAD exomes below 0.00001.
gnomAD v4.1: 1 of 1,482,018 alleles (0.000067%); highest among the groups gnomAD compares: Non-Finnish European, 0.000089%; no homozygotes.

Submission:

Labcorp Genetics (formerly Invitae), Labcorp
Classification: Uncertain significance. Last evaluated: 2023-08-23. Review status: criteria provided, single submitter. Criteria: Invitae Variant Classification Sherloc (09022015). Collection method: clinical testing. Allele origin: germline.
Comment: In summary, the available evidence is currently insufficient to determine the role of this variant in disease. Therefore, it has been classified as a Variant of Uncertain Significance. Advanced modeling of protein sequence and biophysical properties (such as structural, functional, and spatial information, amino acid conservation, physicochemical variation, residue mobility, and thermodynamic stability) performed at Invitae indicates that this missense variant is not expected to disrupt LZTS1 protein function. This variant has not been reported in the literature in individuals affected with LZTS1-related conditions. The frequency data for this variant in the population databases is considered unreliable, as metrics indicate poor data quality at this position in the gnomAD database. This sequence change replaces proline, which is neutral and non-polar, with threonine, which is neutral and polar, at codon 124 of the LZTS1 protein (p.Pro124Thr).

NM_021020.5(LZTS1):c.370C>A (p.Pro124Thr)

Gene: LZTS1 (leucine zipper tumor suppressor 1; minus strand). Cytogenetic location: 8p21.3.
Variant type: single nucleotide variant.
Coding change: c.370C>A on transcript NM_021020.5 (MANE Select); coding-DNA position 370, C replaced by A.
Protein change: p.Pro124Thr; replaces proline 124 with threonine.
Molecular consequence: missense variant.
Genome position (GRCh38, 1-based): chr8:20,253,561, G>T on the plus strand (C>A on the coding strand, the complement: LZTS1 is on the minus strand). VCF-style: chr8-20253561-G-T. GRCh37 (hg19) VCF-style: chr8-20111072-G-T.
Other names: c.370C>A, p.Pro124Thr (NM_001362884.2); short protein forms P124T.
Identifiers: ClinVar variation 3001321 (VCV003001321.3), dbSNP rs1186155058, ClinGen allele CA370478406.